The following is an entry in ClinVar:

NM_006393.3(NEBL):c.1723G>A (p.Ala575Thr)

Gene: NEBL (nebulette; minus strand). Cytogenetic location: 10p12.31.
Variant type: single nucleotide variant.
Coding change: c.1723G>A on transcript NM_006393.3 (MANE Select); coding-DNA position 1723, G replaced by A.
Protein change: p.Ala575Thr; replaces alanine 575 with threonine.
Molecular consequence: missense variant. On other transcripts: intron variant (9).
Genome position (GRCh38, 1-based): chr10:20,828,583, C>T on the plus strand (G>A on the coding strand, the complement: NEBL is on the minus strand). VCF-style: chr10-20828583-C-T. GRCh37 (hg19) VCF-style: chr10-21117512-C-T.
Other names: c.250-15643G>A (NM_001377326.1, NM_001377327.1, NM_001377328.1); c.358-15643G>A (NM_213569.2, NM_001173484.2, NM_001377322.1); c.301-15643G>A (NM_001377324.1); c.292-15643G>A (NM_001377325.1); c.310-15643G>A (NM_001377323.1); short protein forms A575T.
Identifiers: ClinVar variation 1778815 (VCV001778815.8), dbSNP rs150413689, ClinGen allele CA5432765.

ClinVar aggregate classification (germline): Uncertain significance. Review status: criteria provided, multiple submitters, no conflicts (2 of 4 stars). 2 submissions from 2 submitters: Uncertain significance (2). Last evaluated 2024-10-08.

Conditions:
Primary dilated cardiomyopathy (DCM). Also called: Dilated Cardiomyopathy. Identifiers: Orphanet 217604, MedGen C0007193, MeSH D002311, MONDO:0005021, HP:0001644. Inheritance: Various modes of inheritance.

Allele frequency attached by ClinVar (database versions not stated): ESP Exome Variant Server 0.00008; gnomAD 0.00003; ExAC 0.00002; gnomAD exomes below 0.00001; TOPMed 0.00005.
gnomAD v4.1: 7 of 1,596,702 alleles (0.00044%); highest among the groups gnomAD compares: African/African-American, 0.0094%; no homozygotes.

Submissions (2):

Ambry Genetics
Classification: Uncertain significance. Last evaluated: 2024-10-08. Review status: criteria provided, single submitter. Criteria: Ambry Variant Classification Scheme 2023. Collection method: clinical testing. Allele origin: germline.
Comment: The p.A575T variant (also known as c.1723G>A), located in coding exon 17 of the NEBL gene, results from a G to A substitution at nucleotide position 1723. The alanine at codon 575 is replaced by threonine, an amino acid with similar properties. This amino acid position is conserved. In addition, this alteration is predicted to be tolerated by in silico analysis. Since supporting evidence is limited at this time, the clinical significance of this alteration remains unclear.

Labcorp Genetics (formerly Invitae), Labcorp
Classification: Uncertain significance for Primary dilated cardiomyopathy. Last evaluated: 2022-02-18. Review status: criteria provided, single submitter. Criteria: Invitae Variant Classification Sherloc (09022015). Collection method: clinical testing. Allele origin: germline.
Comment: This sequence change replaces alanine, which is neutral and non-polar, with threonine, which is neutral and polar, at codon 575 of the NEBL protein (p.Ala575Thr). This variant is present in population databases (rs150413689, gnomAD 0.02%). This variant has not been reported in the literature in individuals affected with NEBL-related conditions. Algorithms developed to predict the effect of missense changes on protein structure and function (SIFT, PolyPhen-2, Align-GVGD) all suggest that this variant is likely to be tolerated. Algorithms developed to predict the effect of sequence changes on RNA splicing suggest that this variant may create or strengthen a splice site. In summary, the available evidence is currently insufficient to determine the role of this variant in disease. Therefore, it has been classified as a Variant of Uncertain Significance.